The following is an entry in ClinVar:

ClinVar aggregate classification (germline): Uncertain significance. Review status: criteria provided, multiple submitters, no conflicts (2 of 4 stars). 2 submissions from 2 submitters: Uncertain significance (2). Last evaluated 2023-04-05.

Conditions:
Idiopathic generalized epilepsy. Also called: Generalised epilepsy; EIG. Identifiers: MedGen C0270850, MONDO:0005579, OMIM 600669.
Epilepsy, idiopathic generalized, susceptibility to, 13. Also called: EPILEPSY, JUVENILE MYOCLONIC, SUSCEPTIBILITY TO, 5. Identifiers: Orphanet 307, Orphanet 64280, MedGen C4013473, MONDO:0012627, OMIM 611136.
Epilepsy, childhood absence 4 (ECA4). Also called: EPILEPSY, CHILDHOOD ABSENCE, SUSCEPTIBILITY TO, 4. Identifiers: Orphanet 307, MedGen C1970160.
Inborn genetic diseases. Identifiers: MedGen C0950123, MeSH D030342.
Juvenile myoclonic epilepsy (EJM). Also called: PETIT MAL, IMPULSIVE; JANZ SYNDROME. Identifiers: Orphanet 307, MedGen C0270853, MONDO:0009696.
Developmental and epileptic encephalopathy, 19 (DEE19). Also called: Epileptic encephalopathy, early infantile, 19. Identifiers: Orphanet 33069, MedGen C3810400, MONDO:0014328, OMIM 615744.

Allele frequency attached by ClinVar (database versions not stated): TOPMed below 0.00001.

Submissions (2):

Ambry Genetics
Classification: Uncertain significance for Inborn genetic diseases. Last evaluated: 2023-04-05. Review status: criteria provided, single submitter. Criteria: Ambry Variant Classification Scheme 2023. Collection method: clinical testing. Allele origin: germline.

Labcorp Genetics (formerly Invitae), Labcorp
Classification: Uncertain significance for Epilepsy, childhood absence 4; Epilepsy, idiopathic generalized, susceptibility to, 13; Idiopathic generalized epilepsy. Last evaluated: 2022-06-29. Review status: criteria provided, single submitter. Criteria: Invitae Variant Classification Sherloc (09022015). Collection method: clinical testing. Allele origin: germline.
Comment: In summary, the available evidence is currently insufficient to determine the role of this variant in disease. Therefore, it has been classified as a Variant of Uncertain Significance. Algorithms developed to predict the effect of missense changes on protein structure and function are either unavailable or do not agree on the potential impact of this missense change (SIFT: "Tolerated"; PolyPhen-2: "Probably Damaging"; Align-GVGD: "Class C0"). This variant has not been reported in the literature in individuals affected with GABRA1-related conditions. This variant is not present in population databases (gnomAD no frequency). This sequence change replaces tryptophan, which is neutral and slightly polar, with leucine, which is neutral and non-polar, at codon 12 of the GABRA1 protein (p.Trp12Leu).

NM_001127644.2(GABRA1):c.35G>T (p.Trp12Leu)

Gene: GABRA1 (gamma-aminobutyric acid type A receptor subunit alpha1; plus strand). Cytogenetic location: 5q34.
Variant type: single nucleotide variant.
Coding change: c.35G>T on transcript NM_001127644.2 (MANE Select); coding-DNA position 35, G replaced by T.
Protein change: p.Trp12Leu; replaces tryptophan 12 with leucine.
Molecular consequence: missense variant.
Genome position (GRCh38, 1-based): chr5:161,850,845, G>T. VCF-style: chr5-161850845-G-T. GRCh37 (hg19) VCF-style: chr5-161277851-G-T.
Other names: c.35G>T, p.Trp12Leu (NM_000806.5, NM_001127643.2, NM_001127645.2 and 1 more transcripts); short protein forms W12L.
Identifiers: ClinVar variation 2011538 (VCV002011538.7), dbSNP rs1757416348, ClinGen allele CA362181107.